The following is an entry in ClinVar:

NM_018960.6(GNMT):c.555T>A (p.Ser185Arg)

Genes: CNPY3-GNMT (CNPY3-GNMT readthrough; plus strand), GNMT (glycine N-methyltransferase; plus strand). Cytogenetic location: 6p21.1.
Variant type: single nucleotide variant.
Coding change: c.555T>A on transcript NM_018960.6 (MANE Select); coding-DNA position 555, T replaced by A.
Protein change: p.Ser185Arg; replaces serine 185 with arginine.
Molecular consequence: missense variant. On other transcripts: intron variant (1).
Genome position (GRCh38, 1-based): chr6:42,963,175, T>A. VCF-style: chr6-42963175-T-A. GRCh37 (hg19) VCF-style: chr6-42930913-T-A.
Other names: c.357T>A, p.Ser119Arg (NM_001318856.2); c.372T>A, p.Ser124Arg (NM_001318857.2); c.498T>A, p.Ser166Arg (NM_001318865.2); c.269-5T>A (NM_001318858.2); short protein forms S119R, S124R, S166R, S185R.
Identifiers: ClinVar variation 5020407 (VCV005020407.1).
Genomic context (GRCh38, chr6:42,963,175, plus strand): 5'-CATGGTGCGGGCAGGGGGCCTACTGGTCATTGATCATCGCAACTACGACCACATCCTCAG[T>A]ACAGGCTGTGCACCCCCAGGGAAGAACATCTACTATAAGGTGGGGCCCTCTGGGGTGGGG-3'
Protein context (NP_061833.1, residues 175-195): IDHRNYDHIL[Ser185Arg]TGCAPPGKNI

ClinVar aggregate classification (germline): Uncertain significance (1 of 4 stars; one submission).

gnomAD v4.1: 4 of 1,593,238 alleles (0.00025%); highest among the groups gnomAD compares: Admixed American, 0.0035%; no homozygotes.

Submission:

Dasa
Classification: Uncertain significance. Last evaluated: 2026-06-09. Review status: criteria provided, single submitter. Criteria: DASA Assertion Criteria. Collection method: clinical testing. Allele origin: germline.
Comment: NM_018960.6(GNMT):c.555T>A (p.Ser185Arg) is a missense variant that results in the substitution of serine with arginine. This variant is rare in population databases. The currently available literature and clinical evidence are not sufficient to establish a definitive association between this variant and the reported condition. Therefore, this variant is classified as a variant of uncertain significance.